The following is an entry in ClinVar:

NM_152263.4(TPM3):c.816C>G (p.Ser272Arg)

Gene: TPM3 (tropomyosin 3; minus strand). Cytogenetic location: 1q21.3.
Variant type: single nucleotide variant.
Coding change: c.816C>G on transcript NM_152263.4 (MANE Select); coding-DNA position 816, C replaced by G.
Protein change: p.Ser272Arg; replaces serine 272 with arginine.
Molecular consequence: missense variant. On other transcripts: intron variant (10).
Genome position (GRCh38, 1-based): chr1:154,169,343, G>C on the plus strand (C>G on the coding strand, the complement: TPM3 is on the minus strand). VCF-style: chr1-154169343-G-C. GRCh37 (hg19) VCF-style: chr1-154141819-G-C.
Other names: c.705C>G, p.Ser235Arg (NM_001278189.2, NM_001349679.2, NM_001364683.1); c.816C>G, p.Ser272Arg (NM_001364682.1); c.775+1057C>G (NM_001364679.2, NM_001364681.2, NM_001364680.2); c.466+1057C>G (NM_001278188.2); c.664+1057C>G (NM_001043351.2, NM_001043353.2, NM_153649.4 and 1 more transcripts); c.601+1057C>G (NM_001278190.2); c.394+1057C>G (NM_001278191.2); short protein forms S235R, S272R.
Identifiers: ClinVar variation 947402 (VCV000947402.10), dbSNP rs536564074, ClinGen allele CA342582074.

ClinVar aggregate classification (germline): Uncertain significance (1 of 4 stars; one submission).

Conditions:
Congenital myopathy with fiber type disproportion. Also called: Congenital fiber-type disproportion myopathy; Congenital fiber-type disproportion. Identifiers: Orphanet 2020, MedGen C0546264, MONDO:0009711. Inheritance: all.
Congenital myopathy 4B, autosomal recessive. Also called: Nemaline myopathy 1, autosomal dominant or recessive. Identifiers: Orphanet 171433, Orphanet 171439, Orphanet 171881, MedGen C5829889, MONDO:0012239, OMIM 609284.

Allele frequency attached by ClinVar (database versions not stated): gnomAD 0.00001; TOPMed 0.00001.

Submission:

Labcorp Genetics (formerly Invitae), Labcorp
Classification: Uncertain significance for Congenital myopathy with fiber type disproportion; Congenital myopathy 4B, autosomal recessive. Last evaluated: 2022-10-17. Review status: criteria provided, single submitter. Criteria: Invitae Variant Classification Sherloc (09022015). Collection method: clinical testing. Allele origin: germline.
Comment: In summary, the available evidence is currently insufficient to determine the role of this variant in disease. Therefore, it has been classified as a Variant of Uncertain Significance. Algorithms developed to predict the effect of sequence changes on RNA splicing suggest that this variant may disrupt the consensus splice site. Advanced modeling of protein sequence and biophysical properties (such as structural, functional, and spatial information, amino acid conservation, physicochemical variation, residue mobility, and thermodynamic stability) performed at Invitae indicates that this missense variant is not expected to disrupt TPM3 protein function. ClinVar contains an entry for this variant (Variation ID: 947402). This variant is not present in population databases (gnomAD no frequency). This sequence change replaces serine, which is neutral and polar, with arginine, which is basic and polar, at codon 272 of the TPM3 protein (p.Ser272Arg). This variant has not been reported in the literature in individuals affected with TPM3-related conditions.